The following is an entry in ClinVar:

ClinVar aggregate classification (germline): Uncertain significance (1 of 4 stars; one submission).

Conditions:
Posterior polymorphous corneal dystrophy 2. Identifiers: Orphanet 98973, MedGen C1852795, MONDO:0012199, OMIM 609140.
Corneal dystrophy, Fuchs endothelial, 1. Identifiers: Orphanet 98974, MedGen C1850959, MONDO:0007637, OMIM 136800.

Submission:

Juno Genomics, Hangzhou Juno Genomics, Inc
Classification: Uncertain significance for Corneal dystrophy, Fuchs endothelial, 1; Posterior polymorphous corneal dystrophy 2. Review status: criteria provided, single submitter. Criteria: ACMG Guidelines, 2015. Collection method: clinical testing. Allele origin: germline.
Comment: Absent from controls (or at extremely low frequency if recessive) in Genome Aggregation Database.;Multiple lines of computational evidence support a deleterious effect on the gene or gene product.

NM_005202.4(COL8A2):c.403G>A (p.Gly135Arg)

Gene: COL8A2 (collagen type VIII alpha 2 chain; minus strand). Cytogenetic location: 1p34.3.
Variant type: single nucleotide variant.
Coding change: c.403G>A on transcript NM_005202.4 (MANE Select); coding-DNA position 403, G replaced by A.
Protein change: p.Gly135Arg; replaces glycine 135 with arginine.
Molecular consequence: missense variant.
Genome position (GRCh38, 1-based): chr1:36,099,278, C>T on the plus strand (G>A on the coding strand, the complement: COL8A2 is on the minus strand). VCF-style: chr1-36099278-C-T. GRCh37 (hg19) VCF-style: chr1-36564879-C-T.
Other names: c.208G>A, p.Gly70Arg (NM_001294347.2); short protein forms G135R, G70R.
Identifiers: ClinVar variation 5019180 (VCV005019180.2).
Genomic context (GRCh38, chr1:36,099,278, plus strand): 5'-GGAGGCCCTGGTCCCCTCGTATTCCTGGCTCCCCCCGAAGCCCCGGCTGCCCTGGTGGCC[C>T]GACCTTGCCAGGGAGCCCTGGGGGACCAGCCTTGCCCATCCGGGAGAAGCCAGGGGGCCC-3'
Protein context (NP_005193.1, residues 125-145): AGPPGLPGKV[Gly135Arg]PPGQPGLRGE